The following is an entry in ClinVar:

NM_016203.4(PRKAG2):c.1200C>T (p.Thr400=)

Gene: PRKAG2 (protein kinase AMP-activated non-catalytic subunit gamma 2; minus strand). Cytogenetic location: 7q36.1.
Variant type: single nucleotide variant.
Coding change: c.1200C>T on transcript NM_016203.4 (MANE Select); coding-DNA position 1200, C replaced by T.
Protein change: p.Thr400=; no amino-acid change (threonine 400 retained).
Molecular consequence: synonymous variant.
Genome position (GRCh38, 1-based): chr7:151,568,749, G>A on the plus strand (C>T on the coding strand, the complement: PRKAG2 is on the minus strand). VCF-style: chr7-151568749-G-A. GRCh37 (hg19) VCF-style: chr7-151265835-G-A.
Other names: c.1068C>T, p.Thr356= (NM_001040633.2); c.825C>T, p.Thr275= (NM_001304527.2); c.477C>T, p.Thr159= (NM_001304531.2, NM_024429.2); c.828C>T, p.Thr276= (NM_001363698.2).
Identifiers: ClinVar variation 758764 (VCV000758764.11), dbSNP rs779897567, ClinGen allele CA054351.
Genomic context (GRCh38, chr7:151,568,749, plus strand): 5'-TCTTTAGAAACGCTAAAAACTACTTACAAAAAGCTGGAGGAACTTGAGGATTCTTTTGTG[G>A]GTAAGTATATAAAGTGCATTCCCACTGATAGGGTCAATAACGGGCAATCTGTGGATTTTA-3'
Protein context (NP_057287.2, residues 390-410): PISGNALYIL[Thr400=]HKRILKFLQL

ClinVar aggregate classification (germline): Likely benign. Review status: criteria provided, multiple submitters, no conflicts (2 of 4 stars). 3 submissions from 3 submitters: Likely benign (3). Last evaluated 2023-04-03.

Conditions:
Hypertrophic cardiomyopathy. Also called: HYPERTROPHIC MYOCARDIOPATHY. Identifiers: Orphanet 217569, MedGen C0007194, MeSH D002312, MONDO:0005045, HP:0001639.
Cardiomyopathy (CMYO). Also called: Cardiomyopathies. Identifiers: Orphanet 167848, MedGen C0878544, MONDO:0004994, HP:0001638. Inheritance: Various modes of inheritance.
Lethal congenital glycogen storage disease of heart. Also called: PHOSPHORYLASE KINASE DEFICIENCY OF HEART; GLYCOGEN STORAGE DISEASE OF HEART. Identifiers: Orphanet 439854, MedGen C1849813, MONDO:0009867, OMIM 261740.

Allele frequency attached by ClinVar (database versions not stated): gnomAD exomes below 0.00001 and 0.00001; ExAC 0.00001.
gnomAD v4.1: 2 of 1,613,902 alleles (0.00012%); highest among the groups gnomAD compares: Non-Finnish European, 0.00017%; no homozygotes.

Submissions (3):

All of Us Research Program, National Institutes of Health
Classification: Likely benign for Hypertrophic cardiomyopathy. Last evaluated: 2023-04-03. Review status: criteria provided, single submitter. Criteria: ACMG Guidelines, 2015. Collection method: clinical testing. Allele origin: germline. Inheritance: Autosomal dominant inheritance. Observed: 1 variant allele, 1 heterozygote.
Comment: This study involves interpretation of variants in research participants for the purpose of population health screening. Participant phenotype was not available at the time of variant classification. Additional details can be found in publication PMID: 35346344, PMCID: PMC8962531

Color Diagnostics, LLC DBA Color Health
Classification: Likely benign for Cardiomyopathy. Last evaluated: 2019-05-13. Review status: criteria provided, single submitter. Criteria: ACMG Guidelines, 2015. Collection method: clinical testing. Allele origin: germline.

Labcorp Genetics (formerly Invitae), Labcorp
Classification: Likely benign for Lethal congenital glycogen storage disease of heart. Last evaluated: 2018-04-22. Review status: criteria provided, single submitter. Criteria: Invitae Variant Classification Sherloc (09022015). Collection method: clinical testing. Allele origin: germline.